The following is an entry in ClinVar:

NC_000017.10:g.(80899360_80900324)_(80903791_?)dup

Genes: B3GNTL1 (UDP-GlcNAc:betaGal beta-1,3-N-acetylglucosaminyltransferase like 1), TBCD (tubulin folding cofactor D). Cytogenetic location: 17q25.3.
Variant type: Duplication.
Identifiers: ClinVar variation 3339741 (VCV003339741.1).

ClinVar aggregate classification (germline): Uncertain significance (1 of 4 stars; one submission).

Submission:

Women's Health and Genetics/Laboratory Corporation of America, LabCorp
Classification: Uncertain significance. Last evaluated: 2024-06-05. Review status: criteria provided, single submitter. Criteria: LabCorp Variant Classification Summary - May 2015. Collection method: clinical testing. Allele origin: germline.
Comment: Variant summary: The variant involves the duplication of exon 39 in the TBCD gene. The exact breakpoint at the 3' end of this variant is unknown, therefore this duplication may extend downstream of the annotated region of the gene. As it duplicates the termination codon, its effect on the encoded protein is unknown. A presumed nomenclature of c.(3564+1_3565-1)_(*3452_?)dup has been designated for the purposes of this classification. The variant was absent in 21694 control chromosomes (gnomAD). The available data on variant occurrences in the general population are insufficient to allow any conclusion about variant significance. To our knowledge, no occurrence of c.(3564+1_3565-1)_(*3452_?)dup in individuals affected with Encephalopathy, Early Onset and no experimental evidence demonstrating its impact on protein function have been reported. No submitters have cited clinical-significance assessments for this variant to ClinVar. Based on the evidence outlined above, the variant was classified as uncertain significance.